The following is an entry in ClinVar:

ClinVar aggregate classification (germline): Benign/Likely benign. Review status: criteria provided, multiple submitters, no conflicts (2 of 4 stars). 3 submissions from 3 submitters: Benign (2); Likely benign (1). Last evaluated 2023-01-01.

Allele frequency attached by ClinVar (database versions not stated): 1000 Genomes Project 30x 0.00297; 1000 Genomes Project 0.00319; gnomAD 0.00350; ExAC 0.00455; TOPMed 0.00470; ESP Exome Variant Server 0.00481.
gnomAD v4.1: 10,288 of 1,611,056 alleles (0.64%); highest among the groups gnomAD compares: Non-Finnish European, 0.79%; 56 homozygotes.

Submissions (3):

CeGaT Center for Human Genetics Tuebingen
Classification: Likely benign. Last evaluated: 2023-01-01. Review status: criteria provided, single submitter. Criteria: CeGaT Center For Human Genetics Tuebingen Variant Classification Criteria Version 2. Collection method: clinical testing. Allele origin: germline. Affected: yes. Observed: 1 variant allele.
Comment: CSMD1: BP4, BS2

Labcorp Genetics (formerly Invitae), Labcorp
Classification: Benign. Last evaluated: 2019-12-31. Review status: criteria provided, single submitter. Criteria: Invitae Variant Classification Sherloc (09022015). Collection method: clinical testing. Allele origin: germline.

Breakthrough Genomics
Classification: Benign. Review status: criteria provided, single submitter. Criteria: ACMG Guidelines, 2015. Collection method: not provided. Allele origin: germline. Inheritance: Unknown mechanism. Affected: yes.

NM_033225.6(CSMD1):c.1662G>A (p.Pro554=)

Gene: CSMD1 (CUB and Sushi multiple domains 1; minus strand). Cytogenetic location: 8p23.2.
Variant type: single nucleotide variant.
Coding change: c.1662G>A on transcript NM_033225.6 (MANE Select); coding-DNA position 1662, G replaced by A.
Protein change: p.Pro554=; no amino-acid change (proline 554 retained).
Molecular consequence: synonymous variant.
Genome position (GRCh38, 1-based): chr8:3,409,505, C>T on the plus strand (G>A on the coding strand, the complement: CSMD1 is on the minus strand). VCF-style: chr8-3409505-C-T. GRCh37 (hg19) VCF-style: chr8-3267027-C-T.
Identifiers: ClinVar variation 774668 (VCV000774668.29), dbSNP rs182017822, ClinGen allele CA4608714.